The following is an entry in ClinVar:

NM_001009999.3(KDM1A):c.464C>T (p.Pro155Leu)

Gene: KDM1A (lysine demethylase 1A; plus strand). Cytogenetic location: 1p36.12.
Variant type: single nucleotide variant.
Coding change: c.464C>T on transcript NM_001009999.3 (MANE Select); coding-DNA position 464, C replaced by T.
Protein change: p.Pro155Leu; replaces proline 155 with leucine.
Molecular consequence: missense variant.
Genome position (GRCh38, 1-based): chr1:23,030,581, C>T. VCF-style: chr1-23030581-C-T. GRCh37 (hg19) VCF-style: chr1-23357074-C-T.
Other names: c.464C>T, p.Pro155Leu (NM_001363654.2, NM_001410762.1, NM_001410763.1 and 1 more transcripts); short protein forms P155L.
Identifiers: ClinVar variation 4091072 (VCV004091072.1).
Genomic context (GRCh38, chr1:23,030,581, plus strand): 5'-ATTATTCAGAAGAAGAGAGAAATGCCAAAGCAGAGAAGGAAAAGAAGCTTCCCCCACCAC[C>T]CCCTCAAGCCCCACCTGAGGAAGAAAATGAAAGTGAGCCTGAAGAACCATCGGGTGAGTT-3'
Protein context (NP_001009999.1, residues 145-165): AEKEKKLPPP[Pro155Leu]PQAPPEEENE

ClinVar aggregate classification (germline): Uncertain significance (1 of 4 stars; one submission).

Conditions:
Inborn genetic diseases. Identifiers: MedGen C0950123, MeSH D030342.

gnomAD v4.1: 1 of 1,606,868 alleles (0.000062%); no homozygotes.

Submission:

Ambry Genetics
Classification: Uncertain significance for Inborn genetic diseases. Last evaluated: 2025-07-24. Review status: criteria provided, single submitter. Criteria: Ambry Variant Classification Scheme 2023. Collection method: clinical testing. Allele origin: germline.
Comment: The p.P155L variant (also known as c.464C>T), located in coding exon 2 of the KDM1A gene, results from a C to T substitution at nucleotide position 464. The proline at codon 155 is replaced by leucine, an amino acid with similar properties. This amino acid position is conserved. In addition, this alteration is predicted to be tolerated by in silico analysis. Based on the available evidence, the clinical significance of this variant remains unclear.